The following is an entry in ClinVar:

ClinVar aggregate classification (germline): Uncertain significance (1 of 4 stars; one submission).

Allele frequency attached by ClinVar (database versions not stated): TOPMed below 0.00001.

Submission:

Labcorp Genetics (formerly Invitae), Labcorp
Classification: Uncertain significance. Last evaluated: 2022-01-28. Review status: criteria provided, single submitter. Criteria: Invitae Variant Classification Sherloc (09022015). Collection method: clinical testing. Allele origin: germline.
Comment: This variant is not present in population databases (gnomAD no frequency). This variant has not been reported in the literature in individuals affected with TTLL5-related conditions. Algorithms developed to predict the effect of missense changes on protein structure and function are either unavailable or do not agree on the potential impact of this missense change (SIFT: "Deleterious"; PolyPhen-2: "Benign"; Align-GVGD: "Class C0"). In summary, the available evidence is currently insufficient to determine the role of this variant in disease. Therefore, it has been classified as a Variant of Uncertain Significance. This sequence change replaces alanine, which is neutral and non-polar, with valine, which is neutral and non-polar, at codon 1201 of the TTLL5 protein (p.Ala1201Val).

NM_015072.5(TTLL5):c.3602C>T (p.Ala1201Val)

Gene: TTLL5 (tubulin tyrosine ligase like 5; plus strand). Cytogenetic location: 14q24.3.
Variant type: single nucleotide variant.
Coding change: c.3602C>T on transcript NM_015072.5 (MANE Select); coding-DNA position 3602, C replaced by T.
Protein change: p.Ala1201Val; replaces alanine 1201 with valine.
Molecular consequence: missense variant.
Genome position (GRCh38, 1-based): chr14:75,882,764, C>T. VCF-style: chr14-75882764-C-T. GRCh37 (hg19) VCF-style: chr14-76349107-C-T.
Other names: short protein forms A1201V.
Identifiers: ClinVar variation 2090758 (VCV002090758.4), dbSNP rs2031888358, ClinGen allele CA390536879.